The following is an entry in ClinVar:

NM_016816.4(OAS1):c.323C>T (p.Ala108Val)

Gene: OAS1 (2'-5'-oligoadenylate synthetase 1; plus strand). Cytogenetic location: 12q24.13.
Variant type: single nucleotide variant.
Coding change: c.323C>T on transcript NM_016816.4 (MANE Select); coding-DNA position 323, C replaced by T.
Protein change: p.Ala108Val; replaces alanine 108 with valine.
Molecular consequence: missense variant. On other transcripts: non-coding transcript variant (9), intron variant (4).
Genome position (GRCh38, 1-based): chr12:112,908,678, C>T. VCF-style: chr12-112908678-C-T. GRCh37 (hg19) VCF-style: chr12-113346483-C-T.
Other names: c.323C>T, p.Ala108Val (NM_001032409.3, NM_001320151.2, NM_001406020.1 and 6 more transcripts); c.180+1459C>T (NM_001406030.1, NM_001406029.1, NM_001406027.1 and 1 more transcripts); c.323C>T (NM_016816.2); short protein forms A108V.
Identifiers: ClinVar variation 3694737 (VCV003694737.3).

ClinVar aggregate classification (germline): Uncertain significance. Review status: criteria provided, multiple submitters, no conflicts (2 of 4 stars). 2 submissions from 2 submitters: Uncertain significance (2). Last evaluated 2025-09-09.

gnomAD v4.1: 11 of 1,614,038 alleles (0.00068%); highest among the groups gnomAD compares: Middle Eastern, 0.016%; no homozygotes.

Submissions (2):

Labcorp Genetics (formerly Invitae), Labcorp
Classification: Uncertain significance. Last evaluated: 2025-09-09. Review status: criteria provided, single submitter. Criteria: Invitae Variant Classification Sherloc (09022015). Collection method: clinical testing. Allele origin: germline.
Comment: This sequence change replaces alanine, which is neutral and non-polar, with valine, which is neutral and non-polar, at codon 108 of the OAS1 protein (p.Ala108Val). This variant is present in population databases (no rsID available, gnomAD 0.01%). This variant has not been reported in the literature in individuals affected with OAS1-related conditions. ClinVar contains an entry for this variant (Variation ID: 3694737). An algorithm developed to predict the effect of missense changes on protein structure and function (PolyPhen-2) suggests that this variant is likely to be tolerated. In summary, the available evidence is currently insufficient to determine the role of this variant in disease. Therefore, it has been classified as a Variant of Uncertain Significance.

Ambry Genetics
Classification: Uncertain significance. Last evaluated: 2025-05-16. Review status: criteria provided, single submitter. Criteria: Ambry Variant Classification Scheme 2023. Collection method: clinical testing. Allele origin: germline.